The following is an entry in ClinVar:

ClinVar aggregate classification (germline): Uncertain significance (1 of 4 stars; one submission).

Conditions:
MAP1A-related disorder. Also called: MAP1A-related condition.

Submission:

PreventionGenetics, part of Exact Sciences
Classification: Uncertain significance for MAP1A-related condition. Last evaluated: 2023-04-03. Review status: criteria provided, single submitter. Criteria: ACMG Guidelines, 2015. Collection method: clinical testing. Allele origin: germline.
Comment: The MAP1A c.7840A>C variant is predicted to result in the amino acid substitution p.Lys2614Gln. To our knowledge, this variant has not been reported in the literature or in a large population database, indicating this variant is rare. At this time, the clinical significance of this variant is uncertain due to the absence of conclusive functional and genetic evidence.

NM_002373.6(MAP1A):c.7840A>C (p.Lys2614Gln)

Gene: MAP1A (microtubule associated protein 1A; plus strand). Cytogenetic location: 15q15.3.
Variant type: single nucleotide variant.
Coding change: c.7840A>C on transcript NM_002373.6 (MANE Select); coding-DNA position 7840, A replaced by C.
Protein change: p.Lys2614Gln; replaces lysine 2614 with glutamine.
Molecular consequence: missense variant.
Genome position (GRCh38, 1-based): chr15:43,529,313, A>C. VCF-style: chr15-43529313-A-C. GRCh37 (hg19) VCF-style: chr15-43821511-A-C.
Other names: c.8554A>C, p.Lys2852Gln (NM_001411089.1); short protein forms K2614Q, K2852Q.
Identifiers: ClinVar variation 2633599 (VCV002633599.1), dbSNP rs2140211659, ClinGen allele CA392181884.